The following is an entry in ClinVar:

NM_176824.3(BBS7):c.1712C>T (p.Ser571Phe)

Gene: BBS7 (Bardet-Biedl syndrome 7; minus strand). Cytogenetic location: 4q27.
Variant type: single nucleotide variant.
Coding change: c.1712C>T on transcript NM_176824.3 (MANE Select); coding-DNA position 1712, C replaced by T.
Protein change: p.Ser571Phe; replaces serine 571 with phenylalanine.
Molecular consequence: missense variant.
Genome position (GRCh38, 1-based): chr4:121,828,693, G>A on the plus strand (C>T on the coding strand, the complement: BBS7 is on the minus strand). VCF-style: chr4-121828693-G-A. GRCh37 (hg19) VCF-style: chr4-122749848-G-A.
Other names: c.1712C>T, p.Ser571Phe (NM_018190.4); short protein forms S571F.
Identifiers: ClinVar variation 1509368 (VCV001509368.8), dbSNP rs1295543172, ClinGen allele CA358056005.

ClinVar aggregate classification (germline): Uncertain significance (1 of 4 stars; one submission).

Conditions:
Bardet-Biedl syndrome (BBS). Identifiers: Orphanet 110, MedGen C0752166, MONDO:0015229.

Submission:

Labcorp Genetics (formerly Invitae), Labcorp
Classification: Uncertain significance for Bardet-Biedl syndrome. Last evaluated: 2022-03-10. Review status: criteria provided, single submitter. Criteria: Invitae Variant Classification Sherloc (09022015). Collection method: clinical testing. Allele origin: germline.
Comment: This variant has not been reported in the literature in individuals affected with BBS7-related conditions. This variant is not present in population databases (gnomAD no frequency). This sequence change replaces serine, which is neutral and polar, with phenylalanine, which is neutral and non-polar, at codon 571 of the BBS7 protein (p.Ser571Phe). Algorithms developed to predict the effect of missense changes on protein structure and function (SIFT, PolyPhen-2, Align-GVGD) all suggest that this variant is likely to be disruptive. In summary, the available evidence is currently insufficient to determine the role of this variant in disease. Therefore, it has been classified as a Variant of Uncertain Significance. Algorithms developed to predict the effect of sequence changes on RNA splicing suggest that this variant may disrupt the consensus splice site.